The following is an entry in ClinVar:

NM_001127511.3(APC):c.90C>T (p.Ser30=)

Gene: APC (APC regulator of Wnt signaling pathway; plus strand). Cytogenetic location: 5q22.2.
Variant type: single nucleotide variant.
Coding change: c.90C>T on transcript NM_001127511.3; coding-DNA position 90, C replaced by T.
Protein change: p.Ser30=; no amino-acid change (serine 30 retained).
Molecular consequence: synonymous variant. On other transcripts: intron variant (5), 5 prime UTR variant (8), non-coding transcript variant (1).
Genome position (GRCh38, 1-based): chr5:112,707,807, C>T. VCF-style: chr5-112707807-C-T. GRCh37 (hg19) VCF-style: chr5-112043504-C-T.
Other names: c.-19+158C>T (NM_001407450.1, NM_001407457.1, NM_001407458.1 and 1 more transcripts); c.-43+158C>T (NM_001407453.1); c.-94C>T (NM_001354895.2, NM_001407447.1, NM_001407452.1 and 3 more transcripts); c.90C>T, p.Ser30= (NM_001354897.2, NM_001354902.2, NM_001407446.1); c.-1129C>T (NM_001407470.1, NM_001407472.1).
Identifiers: ClinVar variation 1052196 (VCV001052196.7), dbSNP rs2149630972, ClinGen allele CA650199579.

ClinVar aggregate classification (germline): Uncertain significance (1 of 4 stars; one submission).

Conditions:
Familial adenomatous polyposis 1 (FAP1). Also called: FAMILIAL ADENOMATOUS POLYPOSIS 1, ATTENUATED; POLYPOSIS, ADENOMATOUS INTESTINAL. Identifiers: MedGen C2713442, MONDO:0021056, OMIM 175100. Disease mechanism: loss of function.

Submission:

Labcorp Genetics (formerly Invitae), Labcorp
Classification: Uncertain significance for Familial adenomatous polyposis 1. Last evaluated: 2021-09-01. Review status: criteria provided, single submitter. Criteria: Invitae Variant Classification Sherloc (09022015). Collection method: clinical testing. Allele origin: germline.
Comment: This variant occurs in a non-coding region of the APC gene. It does not change the encoded amino acid sequence of the APC protein. The frequency data for this variant in the population databases is considered unreliable, as metrics indicate insufficient coverage at this position in the ExAC database. This variant has not been reported in the literature in individuals affected with APC-related conditions. Experimental studies and prediction algorithms are not available or were not evaluated, and the functional significance of this variant is currently unknown. Algorithms developed to predict the effect of sequence changes on RNA splicing suggest that this variant may create or strengthen a splice site. In summary, the available evidence is currently insufficient to determine the role of this variant in disease. Therefore, it has been classified as a Variant of Uncertain Significance.